The following is an entry in ClinVar:

NM_002858.4(ABCD3):c.54C>T (p.Ala18=)

Gene: ABCD3 (ATP binding cassette subfamily D member 3; plus strand). Cytogenetic location: 1p21.3.
Variant type: single nucleotide variant.
Coding change: c.54C>T on transcript NM_002858.4 (MANE Select); coding-DNA position 54, C replaced by T.
Protein change: p.Ala18=; no amino-acid change (alanine 18 retained).
Molecular consequence: synonymous variant.
Genome position (GRCh38, 1-based): chr1:94,418,532, C>T. VCF-style: chr1-94418532-C-T. GRCh37 (hg19) VCF-style: chr1-94884088-C-T.
Other names: c.54C>T (NM_002858.3); c.54C>T, p.Ala18= (NM_001122674.2).
Identifiers: ClinVar variation 2725974 (VCV002725974.5), dbSNP rs749980366, ClinGen allele CA418833616.

ClinVar aggregate classification (germline): Likely benign. Review status: criteria provided, multiple submitters, no conflicts (2 of 4 stars). 3 submissions from 3 submitters: Likely benign (3). Last evaluated 2026-02-10.

Conditions:
ABCD3-related disorder. Also called: ABCD3-related condition.

Allele frequency attached by ClinVar (database versions not stated): TOPMed 0.00002.
gnomAD v4.1: 9 of 1,605,456 alleles (0.00056%); highest among the groups gnomAD compares: Admixed American, 0.01%; no homozygotes.

Submissions (3):

PreventionGenetics, part of Exact Sciences
Classification: Likely benign for ABCD3-related condition. Last evaluated: 2026-02-10. Review status: criteria provided, single submitter. Criteria: ACMG Guidelines, 2015. Collection method: clinical testing. Allele origin: germline.
Comment: This variant is classified as likely benign based on ACMG/AMP sequence variant interpretation guidelines (Richards et al. 2015 PMID: 25741868, with internal and published modifications).

Labcorp Genetics (formerly Invitae), Labcorp
Classification: Likely benign. Last evaluated: 2023-09-01. Review status: criteria provided, single submitter. Criteria: Invitae Variant Classification Sherloc (09022015). Collection method: clinical testing. Allele origin: germline.

Blueprint Genetics
Classification: Likely benign. Last evaluated: 2021-07-19. Review status: criteria provided, single submitter. Criteria: ACMG Guidelines, 2015. Collection method: clinical testing. Allele origin: germline.